The following is an entry in ClinVar:

NM_001079802.2(FKTN):c.305A>G (p.Lys102Arg)

Gene: FKTN (fukutin; plus strand). Cytogenetic location: 9q31.2.
Variant type: single nucleotide variant.
Coding change: c.305A>G on transcript NM_001079802.2 (MANE Select); coding-DNA position 305, A replaced by G.
Protein change: p.Lys102Arg; replaces lysine 102 with arginine.
Molecular consequence: missense variant. On other transcripts: 5 prime UTR variant (4), non-coding transcript variant (2).
Genome position (GRCh38, 1-based): chr9:105,601,284, A>G. VCF-style: chr9-105601284-A-G. GRCh37 (hg19) VCF-style: chr9-108363565-A-G.
Other names: c.305A>G, p.Lys102Arg (NM_001198963.2, NM_001351496.2, NM_001351498.2 and 1 more transcripts); c.236A>G, p.Lys79Arg (NM_001351497.2); c.-210A>G (NM_001351499.2, NM_001351500.2, NM_001351501.2 and 1 more transcripts); short protein forms K79R, K102R.
Identifiers: ClinVar variation 941920 (VCV000941920.9), dbSNP rs757253023, ClinGen allele CA197434833.
Genomic context (GRCh38, chr9:105,601,284, plus strand): 5'-TGATTAATAAGAACTTTGAACAAGTCAAAAATACTTCTCATGGCTCTACTTCACAATGCA[A>G]GTTTTTCTGTGTTCCAAGAGACTTTACTGCATTTGCACTGCAGTATCACCTATGGAAGAA-3'
Protein context (NP_001073270.1, residues 92-112): NTSHGSTSQC[Lys102Arg]FFCVPRDFTA

ClinVar aggregate classification (germline): Uncertain significance. Review status: criteria provided, single submitter (1 of 4 stars). 2 submissions from 2 submitters: Uncertain significance (1). 1 of the submissions does not count toward it. Last evaluated 2022-09-01.

Conditions:
Walker-Warburg congenital muscular dystrophy. Also called: Muscular dystrophy-dystroglycanopathy, type A; Walker-Warburg syndrome. Identifiers: Orphanet 899, MedGen C0265221, MONDO:0000171.

Allele frequency attached by ClinVar (database versions not stated): TOPMed below 0.00001; gnomAD 0.00001; gnomAD exomes 0.00003.

Submissions (2):

Labcorp Genetics (formerly Invitae), Labcorp
Classification: Uncertain significance for Walker-Warburg congenital muscular dystrophy. Last evaluated: 2022-09-01. Review status: criteria provided, single submitter. Criteria: Invitae Variant Classification Sherloc (09022015). Collection method: clinical testing. Allele origin: germline.
Comment: This sequence change replaces lysine, which is basic and polar, with arginine, which is basic and polar, at codon 102 of the FKTN protein (p.Lys102Arg). This variant is not present in population databases (gnomAD no frequency). This variant has not been reported in the literature in individuals affected with FKTN-related conditions. ClinVar contains an entry for this variant (Variation ID: 941920). Algorithms developed to predict the effect of missense changes on protein structure and function output the following: SIFT: "Tolerated"; PolyPhen-2: "Benign"; Align-GVGD: "Class C0". The arginine amino acid residue is found in multiple mammalian species, which suggests that this missense change does not adversely affect protein function. Algorithms developed to predict the effect of sequence changes on RNA splicing suggest that this variant may create or strengthen a splice site. In summary, the available evidence is currently insufficient to determine the role of this variant in disease. Therefore, it has been classified as a Variant of Uncertain Significance.

Natera, Inc.
Classification: Uncertain significance for Walker-Warburg congenital muscular dystrophy. Last evaluated: 2020-10-19. Review status: no assertion criteria provided. Collection method: clinical testing. Allele origin: germline. Not counted in ClinVar's aggregate classification.